The following is an entry in ClinVar:

ClinVar aggregate classification (germline): Uncertain significance. Review status: criteria provided, multiple submitters, no conflicts (2 of 4 stars). 2 submissions from 2 submitters: Uncertain significance (2). Last evaluated 2022-06-19.

Conditions:
Autosomal recessive nonsyndromic hearing loss 9. Also called: OTOF-Related Hearing Loss; AUDITORY NEUROPATHY, AUTOSOMAL RECESSIVE, 1, TEMPERATURE-SENSITIVE; Deafness, autosomal recessive 9; NEUROSENSORY NONSYNDROMIC RECESSIVE DEAFNESS 9. Identifiers: Orphanet 90636, MedGen C1832828, MONDO:0010986, OMIM 601071.

Allele frequency attached by ClinVar (database versions not stated): gnomAD 0.00003; ExAC 0.00004; ESP Exome Variant Server 0.00015.

Submissions (2):

Labcorp Genetics (formerly Invitae), Labcorp
Classification: Uncertain significance. Last evaluated: 2022-06-19. Review status: criteria provided, single submitter. Criteria: Invitae Variant Classification Sherloc (09022015). Collection method: clinical testing. Allele origin: germline.
Comment: This sequence change replaces serine, which is neutral and polar, with phenylalanine, which is neutral and non-polar, at codon 1443 of the OTOF protein (p.Ser1443Phe). This variant is present in population databases (rs148506633, gnomAD 0.01%). This variant has not been reported in the literature in individuals affected with OTOF-related conditions. Algorithms developed to predict the effect of missense changes on protein structure and function are either unavailable or do not agree on the potential impact of this missense change (SIFT: "Deleterious"; PolyPhen-2: "Benign"; Align-GVGD: "Class C0"). In summary, the available evidence is currently insufficient to determine the role of this variant in disease. Therefore, it has been classified as a Variant of Uncertain Significance.

Department of Pathology and Laboratory Medicine, Sinai Health System
Classification: Uncertain significance for Autosomal recessive nonsyndromic hearing loss 9. Last evaluated: 2021-07-30. Review status: criteria provided, single submitter. Criteria: ACMG Guidelines, 2015. Collection method: research. Allele origin: germline.

NM_194248.3(OTOF):c.4328C>T (p.Ser1443Phe)

Gene: OTOF (otoferlin; minus strand). Cytogenetic location: 2p23.3.
Variant type: single nucleotide variant.
Coding change: c.4328C>T on transcript NM_194248.3 (MANE Select); coding-DNA position 4328, C replaced by T.
Protein change: p.Ser1443Phe; replaces serine 1443 with phenylalanine.
Molecular consequence: missense variant.
Genome position (GRCh38, 1-based): chr2:26,467,133, G>A on the plus strand (C>T on the coding strand, the complement: OTOF is on the minus strand). VCF-style: chr2-26467133-G-A. GRCh37 (hg19) VCF-style: chr2-26690001-G-A.
Other names: c.4328C>T, p.Ser1443Phe (NM_001287489.2); c.2027C>T, p.Ser676Phe (NM_004802.4, NM_194323.3); c.2258C>T, p.Ser753Phe (NM_194322.3); short protein forms S676F, S753F, S1443F.
Identifiers: ClinVar variation 2061797 (VCV002061797.2), dbSNP rs148506633, ClinGen allele CA1563217.
Genomic context (GRCh38, chr2:26,467,133, plus strand): 5'-GGCTGGGCCCGTGCTCCTGGCCTGACCTTGAAGCGTCCCACAATGCGCTCCTCCTCGGTG[G>A]AGCCATCCTCATCATCCCCGGTCTTGCCCCGAAGCAAGTTGAAAGTGTGCAGCCAGTCCT-3'
Protein context (NP_919224.1, residues 1433-1453): RGKTGDDEDG[Ser1443Phe]TEEERIVGRF